The following is an entry in ClinVar:

ClinVar aggregate classification (germline): Uncertain significance (1 of 4 stars; one submission).

gnomAD v4.1: 10 of 1,611,874 alleles (0.00062%); highest among the groups gnomAD compares: Non-Finnish European, 0.00085%; no homozygotes.

Submission:

Labcorp Genetics (formerly Invitae), Labcorp
Classification: Uncertain significance. Last evaluated: 2025-07-16. Review status: criteria provided, single submitter. Criteria: Invitae Variant Classification Sherloc (09022015). Collection method: clinical testing. Allele origin: germline.
Comment: This sequence change replaces phenylalanine, which is neutral and non-polar, with valine, which is neutral and non-polar, at codon 76 of the TOP2B protein (p.Phe76Val). This variant is not present in population databases (gnomAD no frequency). This variant has not been reported in the literature in individuals affected with TOP2B-related conditions. An algorithm developed to predict the effect of missense changes on protein structure and function outputs the following: PolyPhen-2: "Benign". The valine amino acid residue is found in multiple mammalian species, which suggests that this missense change does not adversely affect protein function. In summary, the available evidence is currently insufficient to determine the role of this variant in disease. Therefore, it has been classified as a Variant of Uncertain Significance.

NM_001330700.2(TOP2B):c.241T>G (p.Phe81Val)

Gene: TOP2B (DNA topoisomerase II beta; minus strand). Cytogenetic location: 3p24.2.
Variant type: single nucleotide variant.
Coding change: c.241T>G on transcript NM_001330700.2 (MANE Select); coding-DNA position 241, T replaced by G.
Protein change: p.Phe81Val; replaces phenylalanine 81 with valine.
Molecular consequence: missense variant.
Genome position (GRCh38, 1-based): chr3:25,643,784, A>C on the plus strand (T>G on the coding strand, the complement: TOP2B is on the minus strand). VCF-style: chr3-25643784-A-C. GRCh37 (hg19) VCF-style: chr3-25685275-A-C.
Other names: c.226T>G, p.Phe76Val (NM_001068.3); short protein forms F81V, F76V.
Identifiers: ClinVar variation 4781888 (VCV004781888.1).
Genomic context (GRCh38, chr3:25,643,784, plus strand): 5'-CTGGCACAAAGGTAACCTCCCTGCAATTCATTCCTACATCTTCATCATACACCCACATGA[A>C]CTGCATTGAAAAATTCAAAAAAAATTTTACTCAATAAATCCTTAATATCAATTTTTCATA-3'
Protein context (NP_001317629.1, residues 71-91): YIGSVEPLTQ[Phe81Val]MWVYDEDVGM